The following is an entry in ClinVar:

NM_003079.5(SMARCE1):c.442C>T (p.Arg148Cys)

Gene: SMARCE1 (SWI/SNF related BAF chromatin remodeling complex subunit E1; minus strand). Cytogenetic location: 17q21.2.
Variant type: single nucleotide variant.
Coding change: c.442C>T on transcript NM_003079.5 (MANE Select); coding-DNA position 442, C replaced by T.
Protein change: p.Arg148Cys; replaces arginine 148 with cysteine.
Molecular consequence: missense variant.
Genome position (GRCh38, 1-based): chr17:40,636,030, G>A on the plus strand (C>T on the coding strand, the complement: SMARCE1 is on the minus strand). VCF-style: chr17-40636030-G-A. GRCh37 (hg19) VCF-style: chr17-38792282-G-A.
Other names: short protein forms R148C.
Identifiers: ClinVar variation 1041594 (VCV001041594.12), dbSNP rs147065057, ClinGen allele CA290553167.

ClinVar aggregate classification (germline): Uncertain significance. Review status: criteria provided, multiple submitters, no conflicts (2 of 4 stars). 2 submissions from 2 submitters: Uncertain significance (2). Last evaluated 2025-10-30.

Conditions:
Hereditary cancer-predisposing syndrome. Also called: Hereditary Cancer Syndrome; Tumor predisposition; Hereditary neoplastic syndrome; Neoplastic Syndromes, Hereditary. Identifiers: Orphanet 140162, MedGen C0027672, MeSH D009386, MONDO:0015356.
Familial meningioma. Also called: Meningioma, familial, susceptibility to. Identifiers: Orphanet 263662, MedGen C3551915, MONDO:0011789, OMIM 607174.

Allele frequency attached by ClinVar (database versions not stated): gnomAD exomes below 0.00001; ESP Exome Variant Server 0.00008.
gnomAD v4.1: 1 of 1,613,578 alleles (0.000062%); highest among the groups gnomAD compares: Non-Finnish European, 0.000085%; no homozygotes.

Submissions (2):

Ambry Genetics
Classification: Uncertain significance for Hereditary cancer-predisposing syndrome. Last evaluated: 2025-10-30. Review status: criteria provided, single submitter. Criteria: Ambry Variant Classification Scheme 2023. Collection method: clinical testing. Allele origin: germline.
Comment: The p.R148C variant (also known as c.442C>T), located in coding exon 6 of the SMARCE1 gene, results from a C to T substitution at nucleotide position 442. The arginine at codon 148 is replaced by cysteine, an amino acid with highly dissimilar properties. This variant was detected as heterozygous in individual(s) with no reported features of Coffin-Siris syndrome (Ambry internal data). This amino acid position is highly conserved in available vertebrate species. In addition, the in silico prediction for this alteration is inconclusive. Based on the supporting evidence, the association of this alteration with an increased risk of meningiomas is unknown; however, the association of this alteration with Coffin-Siris syndrome is unlikely.

Labcorp Genetics (formerly Invitae), Labcorp
Classification: Uncertain significance for Familial meningioma. Last evaluated: 2023-06-09. Review status: criteria provided, single submitter. Criteria: Invitae Variant Classification Sherloc (09022015). Collection method: clinical testing. Allele origin: germline.
Comment: In summary, the available evidence is currently insufficient to determine the role of this variant in disease. Therefore, it has been classified as a Variant of Uncertain Significance. Advanced modeling of protein sequence and biophysical properties (such as structural, functional, and spatial information, amino acid conservation, physicochemical variation, residue mobility, and thermodynamic stability) performed at Invitae indicates that this missense variant is expected to disrupt SMARCE1 protein function. ClinVar contains an entry for this variant (Variation ID: 1041594). This variant has not been reported in the literature in individuals affected with SMARCE1-related conditions. This variant is not present in population databases (gnomAD no frequency). This sequence change replaces arginine, which is basic and polar, with cysteine, which is neutral and slightly polar, at codon 148 of the SMARCE1 protein (p.Arg148Cys).